The following is an entry in ClinVar:

NM_001113378.2(FANCI):c.2340dup (p.Leu781fs)

Gene: FANCI (FA complementation group I; plus strand). Cytogenetic location: 15q26.1.
Variant type: Duplication.
Coding change: c.2340dup on transcript NM_001113378.2 (MANE Select); coding-DNA position 2340, one base duplicated (A; older notation c.2340dupA).
Protein change: p.Leu781fs; shifts the reading frame from leucine 781.
Molecular consequence: frameshift variant.
Genome position (GRCh38, 1-based): chr15:89,293,881, A duplicated; the last of 6 consecutive A bases (chr15:89,293,876-89,293,881); duplicating any one gives the same sequence. VCF-style (leftmost placement, unchanged base first): chr15-89293875-C-CA. GRCh37 (hg19) VCF-style: chr15-89837106-C-CA.
Other names: c.2061dup, p.Leu688fs (NM_001376910.1); c.2340dup, p.Leu781fs (NM_001376911.1, NM_018193.3); short protein forms L688fs, L781fs.
Identifiers: ClinVar variation 2754241 (VCV002754241.3), dbSNP rs2054158750, ClinGen allele CA2630249785.

ClinVar aggregate classification (germline): Pathogenic (1 of 4 stars; one submission).

Conditions:
Fanconi anemia (FA). Also called: Fanconi's anemia. Identifiers: Orphanet 84, MedGen C0015625, MeSH D005199, MONDO:0019391.

Submission:

Labcorp Genetics (formerly Invitae), Labcorp
Classification: Pathogenic for Fanconi anemia. Last evaluated: 2023-08-20. Review status: criteria provided, single submitter. Criteria: Invitae Variant Classification Sherloc (09022015). Collection method: clinical testing. Allele origin: germline.
Comment: This sequence change creates a premature translational stop signal (p.Leu781Thrfs*3) in the FANCI gene. It is expected to result in an absent or disrupted protein product. Loss-of-function variants in FANCI are known to be pathogenic (PMID: 17452773, 17460694). This variant is not present in population databases (gnomAD no frequency). This variant has not been reported in the literature in individuals affected with FANCI-related conditions. Algorithms developed to predict the effect of sequence changes on RNA splicing suggest that this variant may disrupt the consensus splice site. For these reasons, this variant has been classified as Pathogenic.

Literature cited by the submitters: PubMed 17452773; PubMed 17460694.